The following is an entry in ClinVar:

NM_004656.4(BAP1):c.403C>T (p.Pro135Ser)

Gene: BAP1 (BRCA1 associated deubiquitinase 1; minus strand). Cytogenetic location: 3p21.1.
Variant type: single nucleotide variant.
Coding change: c.403C>T on transcript NM_004656.4 (MANE Select); coding-DNA position 403, C replaced by T.
Protein change: p.Pro135Ser; replaces proline 135 with serine.
Molecular consequence: missense variant.
Genome position (GRCh38, 1-based): chr3:52,407,433, G>A on the plus strand (C>T on the coding strand, the complement: BAP1 is on the minus strand). VCF-style: chr3-52407433-G-A. GRCh37 (hg19) VCF-style: chr3-52441449-G-A.
Other names: c.403C>T, p.Pro135Ser (NM_001410772.1); short protein forms P135S.
Identifiers: ClinVar variation 3695592 (VCV003695592.2).

ClinVar aggregate classification (germline): Uncertain significance (1 of 4 stars; one submission).

Conditions:
BAP1-related tumor predisposition syndrome (TPDS1). Also called: Tumor susceptibility linked to germline BAP1 mutations; COMMON Syndrome; TUMOR PREDISPOSITION SYNDROME 1; BAP1 tumor predisposition syndrome. Identifiers: Orphanet 289539, MedGen C3280492, MONDO:0013692, OMIM 614327.

Submission:

Labcorp Genetics (formerly Invitae), Labcorp
Classification: Uncertain significance for BAP1-related tumor predisposition syndrome. Last evaluated: 2024-05-29. Review status: criteria provided, single submitter. Criteria: Invitae Variant Classification Sherloc (09022015). Collection method: clinical testing. Allele origin: germline.
Comment: This sequence change replaces proline, which is neutral and non-polar, with serine, which is neutral and polar, at codon 135 of the BAP1 protein (p.Pro135Ser). This variant is not present in population databases (gnomAD no frequency). This variant has not been reported in the literature in individuals affected with BAP1-related conditions. Advanced modeling of protein sequence and biophysical properties (such as structural, functional, and spatial information, amino acid conservation, physicochemical variation, residue mobility, and thermodynamic stability) has been performed at Invitae for this missense variant, however the output from this modeling did not meet the statistical confidence thresholds required to predict the impact of this variant on BAP1 protein function. In summary, the available evidence is currently insufficient to determine the role of this variant in disease. Therefore, it has been classified as a Variant of Uncertain Significance.